The following is an entry in ClinVar:

NM_001904.4(CTNNB1):c.693C>A (p.Ile231=)

Genes: CTNNB1 (catenin beta 1; plus strand), LOC126806658 (BRD4-independent group 4 enhancer GRCh37_chr3:41265899-41267098; plus strand). Cytogenetic location: 3p22.1.
Variant type: single nucleotide variant.
Coding change: c.693C>A on transcript NM_001904.4 (MANE Select); coding-DNA position 693, C replaced by A.
Protein change: p.Ile231=; no amino-acid change (isoleucine 231 retained).
Molecular consequence: synonymous variant.
Genome position (GRCh38, 1-based): chr3:41,225,531, C>A. VCF-style: chr3-41225531-C-A. GRCh37 (hg19) VCF-style: chr3-41267022-C-A.
Other names: c.693C>A, p.Ile231= (NM_001098209.2, NM_001098210.2, NM_001438871.1 and 4 more transcripts); c.672C>A, p.Ile224= (NM_001330729.2).
Identifiers: ClinVar variation 4992068 (VCV004992068.1).
Genomic context (GRCh38, chr3:41,225,531, plus strand): 5'-TCGTTGTACCGCTGGGACCTTGCATAACCTTTCCCATCATCGTGAGGGCTTACTGGCCAT[C>A]TTTAAGTCTGGAGGCATTCCTGCCCTGGTGAAAATGCTTGGGTAAGAAAACATGTCAGAA-3'
Protein context (NP_001895.1, residues 221-241): LSHHREGLLA[Ile231=]FKSGGIPALV

ClinVar aggregate classification (germline): Likely benign (1 of 4 stars; one submission).

Conditions:
CTNNB1-related disorder. Also called: CTNNB1-related condition.

Submission:

PreventionGenetics, part of Exact Sciences
Classification: Likely benign for CTNNB1-related condition. Last evaluated: 2025-09-13. Review status: criteria provided, single submitter. Criteria: ACMG Guidelines, 2015. Collection method: clinical testing. Allele origin: germline.
Comment: This variant is classified as likely benign based on ACMG/AMP sequence variant interpretation guidelines (Richards et al. 2015 PMID: 25741868, with internal and published modifications).